The following is an entry in ClinVar:

NM_016580.4(PCDH12):c.922C>T (p.Arg308Ter)

Genes: PCDH12 (protocadherin 12; minus strand), RNF14 (ring finger protein 14; plus strand). Cytogenetic location: 5q31.3.
Variant type: single nucleotide variant.
Coding change: c.922C>T on transcript NM_016580.4 (MANE Select); coding-DNA position 922, C replaced by T.
Protein change: p.Arg308Ter; replaces arginine 308 with a stop codon.
Molecular consequence: nonsense.
Genome position (GRCh38, 1-based): chr5:141,956,930, G>A on the plus strand (C>T on the coding strand, the complement: PCDH12 is on the minus strand). VCF-style: chr5-141956930-G-A. GRCh37 (hg19) VCF-style: chr5-141336495-G-A.
Other names: short protein forms R308*.
Identifiers: ClinVar variation 620173 (VCV000620173.28), dbSNP rs370283860, ClinGen allele CA3484486.

ClinVar aggregate classification (germline): Pathogenic/Likely pathogenic. Review status: criteria provided, multiple submitters, no conflicts (2 of 4 stars). 5 submissions from 5 submitters: Pathogenic (4); Likely pathogenic (1). Last evaluated 2026-02-06.

Conditions:
Diencephalic-mesencephalic junction dysplasia syndrome 1 (DMJDS1). Also called: Microcephaly with spastic quadriplegia. Identifiers: MedGen C4538630, MONDO:0009625, OMIM 251280.

Allele frequency attached by ClinVar (database versions not stated): ExAC 0.00002; gnomAD 0.00002 and 0.00003; gnomAD exomes 0.00002 and 0.00006; TOPMed 0.00004; ESP Exome Variant Server 0.00008.
gnomAD v4.1: 100 of 1,614,014 alleles (0.0062%); highest among the groups gnomAD compares: Non-Finnish European, 0.0076%; no homozygotes.

Submissions (5):

GeneDx
Classification: Pathogenic. Last evaluated: 2026-02-06. Review status: criteria provided, single submitter. Criteria: GeneDx Variant Classification Process June 2021. Collection method: clinical testing. Allele origin: germline. Affected: yes.
Comment: Nonsense variant predicted to result in protein truncation or nonsense mediated decay in a gene for which loss of function is a known mechanism of disease; This variant is associated with the following publications: (PMID: 38693247)

CeGaT Center for Human Genetics Tuebingen
Classification: Pathogenic. Last evaluated: 2025-10-01. Review status: criteria provided, single submitter. Criteria: CeGaT Center For Human Genetics Tuebingen Variant Classification Criteria Version 2. Collection method: clinical testing. Allele origin: germline. Affected: yes. Observed: 2 variant alleles.
Comment: PCDH12: PVS1, PM2, PM3

Labcorp Genetics (formerly Invitae), Labcorp
Classification: Pathogenic. Last evaluated: 2023-10-28. Review status: criteria provided, single submitter. Criteria: Invitae Variant Classification Sherloc (09022015). Collection method: clinical testing. Allele origin: germline.
Comment: This sequence change creates a premature translational stop signal (p.Arg308*) in the PCDH12 gene. It is expected to result in an absent or disrupted protein product. Loss-of-function variants in PCDH12 are known to be pathogenic (PMID: 27164683, 29556033). This variant is present in population databases (rs370283860, gnomAD 0.005%). This variant has not been reported in the literature in individuals affected with PCDH12-related conditions. ClinVar contains an entry for this variant (Variation ID: 620173). For these reasons, this variant has been classified as Pathogenic.

Victorian Clinical Genetics Services, Murdoch Childrens Research Institute
Classification: Pathogenic for Diencephalic-mesencephalic junction dysplasia syndrome 1. Last evaluated: 2023-07-16. Review status: criteria provided, single submitter. Criteria: ACMG Guidelines, 2015. Collection method: clinical testing. Allele origin: germline. Inheritance: Autosomal recessive inheritance. Affected: yes.
Comment: Based on the classification scheme VCGS_Germline_v1.3.4, this variant is classified as Pathogenic. Following criteria are met: 0102 - Loss of function is a known mechanism of disease in this gene and is associated with diencephalic-mesencephalic junction dysplasia syndrome 1 (MIM#251280). (I) 0106 - This gene is associated with autosomal recessive disease. (I) 0201 - Variant is predicted to cause nonsense-mediated decay (NMD) and loss of protein (premature termination codon is located at least 54 nucleotides upstream of the final exon-exon junction). (SP) 0251 - This variant is heterozygous. (I) 0304 - Variant is present in gnomAD (v2) <0.01 for a recessive condition (4 heterozygotes, 0 homozygotes). (SP) 0701 - Other NMD predicted variants comparable to the one identified in this case have very strong previous evidence for pathogenicity (ClinVar). (SP) 0803 - This variant has limited previous evidence of pathogenicity in unrelated individuals. This variant has been reported as pathogenic twice in ClinVar. (SP) 0905 - No published segregation evidence has been identified for this variant. (I) 1007 - No published functional evidence has been identified for this variant. (I) 1208 - Inheritance information for this variant is not currently available in this individual. (I) Legend: (SP) - Supporting pathogenic, (I) - Information, (SB) - Supporting benign

Revvity Omics, Revvity
Classification: Likely pathogenic for Diencephalic-mesencephalic junction dysplasia syndrome 1. Last evaluated: 2021-11-24. Review status: criteria provided, single submitter. Criteria: ACMG Guidelines, 2015. Collection method: clinical testing. Allele origin: germline.

Literature cited by the submitters: PubMed 27164683 (cited by Labcorp Genetics (formerly Invitae), Labcorp); PubMed 29556033 (cited by Labcorp Genetics (formerly Invitae), Labcorp).